The following is an entry in ClinVar:

ClinVar aggregate classification (germline): Uncertain significance. Review status: criteria provided, multiple submitters, no conflicts (2 of 4 stars). 3 submissions from 3 submitters: Uncertain significance (3). Last evaluated 2025-03-31.

Conditions:
Inborn genetic diseases. Identifiers: MedGen C0950123, MeSH D030342.

Allele frequency attached by ClinVar (database versions not stated): gnomAD exomes below 0.00001.
gnomAD v4.1: 4 of 1,611,340 alleles (0.00025%); highest among the groups gnomAD compares: East Asian, 0.0067%; no homozygotes.

Submissions (3):

Labcorp Genetics (formerly Invitae), Labcorp
Classification: Uncertain significance. Last evaluated: 2025-03-31. Review status: criteria provided, single submitter. Criteria: Invitae Variant Classification Sherloc (09022015). Collection method: clinical testing. Allele origin: germline.
Comment: This sequence change replaces lysine, which is basic and polar, with arginine, which is basic and polar, at codon 213 of the PROM1 protein (p.Lys213Arg). This variant is present in population databases (no rsID available, gnomAD 0.02%). This variant has not been reported in the literature in individuals affected with PROM1-related conditions. ClinVar contains an entry for this variant (Variation ID: 3219026). Invitae Evidence Modeling of protein sequence and biophysical properties (such as structural, functional, and spatial information, amino acid conservation, physicochemical variation, residue mobility, and thermodynamic stability) indicates that this missense variant is not expected to disrupt PROM1 protein function with a negative predictive value of 80%. In summary, the available evidence is currently insufficient to determine the role of this variant in disease. Therefore, it has been classified as a Variant of Uncertain Significance.

Blueprint Genetics
Classification: Uncertain significance. Last evaluated: 2024-08-11. Review status: criteria provided, single submitter. Criteria: ACMG Guidelines, 2015. Collection method: clinical testing. Allele origin: germline.

Ambry Genetics
Classification: Uncertain significance for Inborn genetic diseases. Last evaluated: 2023-10-02. Review status: criteria provided, single submitter. Criteria: Ambry Variant Classification Scheme 2023. Collection method: clinical testing. Allele origin: germline.

NM_006017.3(PROM1):c.638A>G (p.Lys213Arg)

Gene: PROM1 (prominin 1; minus strand). Cytogenetic location: 4p15.32.
Variant type: single nucleotide variant.
Coding change: c.638A>G on transcript NM_006017.3 (MANE Select); coding-DNA position 638, A replaced by G.
Protein change: p.Lys213Arg; replaces lysine 213 with arginine.
Molecular consequence: missense variant.
Genome position (GRCh38, 1-based): chr4:16,024,351, T>C on the plus strand (A>G on the coding strand, the complement: PROM1 is on the minus strand). VCF-style: chr4-16024351-T-C. GRCh37 (hg19) VCF-style: chr4-16025974-T-C.
Other names: c.611A>G, p.Lys204Arg (NM_001145847.2, NM_001145848.2, NM_001145851.2 and 4 more transcripts); c.638A>G, p.Lys213Arg (NM_001145849.2, NM_001145850.2); short protein forms K204R, K213R.
Identifiers: ClinVar variation 3219026 (VCV003219026.4), dbSNP rs1444729850, ClinGen allele CA356424125.
Genomic context (GRCh38, chr4:16,024,351, plus strand): 5'-TCACTGTTCAGATCTGTGAACGCCTTGTCCTTGGTAGTGTTGTACTGGGCCAATATATAT[T>C]TGATTTGCTGAAAAAAGAACATTCTGTGAAACCTCCCCTTCTAAGGTCCAAAGGCAATAA-3'
Protein context (NP_006008.1, residues 203-223): TLLNETPEQI[Lys213Arg]YILAQYNTTK